The following is an entry in ClinVar:

NM_000257.4(MYH7):c.1978A>T (p.Thr660Ser)

Gene: MYH7 (myosin heavy chain 7; minus strand). Cytogenetic location: 14q11.2.
Variant type: single nucleotide variant.
Coding change: c.1978A>T on transcript NM_000257.4 (MANE Select); coding-DNA position 1978, A replaced by T.
Protein change: p.Thr660Ser; replaces threonine 660 with serine.
Molecular consequence: missense variant.
Genome position (GRCh38, 1-based): chr14:23,426,843, T>A on the plus strand (A>T on the coding strand, the complement: MYH7 is on the minus strand). VCF-style: chr14-23426843-T-A. GRCh37 (hg19) VCF-style: chr14-23896052-T-A.
Other names: short protein forms T660S.
Identifiers: ClinVar variation 571062 (VCV000571062.12), dbSNP rs1566533312, ClinGen allele CA389049396.

ClinVar aggregate classification (germline): Uncertain significance. Review status: criteria provided, multiple submitters, no conflicts (2 of 4 stars). 2 submissions from 2 submitters: Uncertain significance (2). Last evaluated 2025-03-18.

Conditions:
Cardiomyopathy (CMYO). Also called: Cardiomyopathies. Identifiers: Orphanet 167848, MedGen C0878544, MONDO:0004994, HP:0001638. Inheritance: Various modes of inheritance.
Hypertrophic cardiomyopathy. Also called: HYPERTROPHIC MYOCARDIOPATHY. Identifiers: Orphanet 217569, MedGen C0007194, MeSH D002312, MONDO:0005045, HP:0001639.

Submissions (2):

Labcorp Genetics (formerly Invitae), Labcorp
Classification: Uncertain significance for Hypertrophic cardiomyopathy. Last evaluated: 2025-03-18. Review status: criteria provided, single submitter. Criteria: Invitae Variant Classification Sherloc (09022015). Collection method: clinical testing. Allele origin: germline.
Comment: This sequence change replaces threonine, which is neutral and polar, with serine, which is neutral and polar, at codon 660 of the MYH7 protein (p.Thr660Ser). This variant is not present in population databases (gnomAD no frequency). This variant has not been reported in the literature in individuals affected with MYH7-related conditions. ClinVar contains an entry for this variant (Variation ID: 571062). Invitae Evidence Modeling of protein sequence and biophysical properties (such as structural, functional, and spatial information, amino acid conservation, physicochemical variation, residue mobility, and thermodynamic stability) indicates that this missense variant is expected to disrupt MYH7 protein function with a positive predictive value of 95%. This variant is found within a region of MYH7 between codons 181 and 937 that contains the majority of the myosin head domain. Missense variants in this region have been shown to be significantly overrepresented in individuals with hypertrophic cardiomyopathy (PMID: 27532257). In summary, the available evidence is currently insufficient to determine the role of this variant in disease. Therefore, it has been classified as a Variant of Uncertain Significance.

All of Us Research Program, National Institutes of Health
Classification: Uncertain significance for Cardiomyopathy. Last evaluated: 2023-05-16. Review status: criteria provided, single submitter. Criteria: ACMG Guidelines, 2015. Collection method: clinical testing. Allele origin: germline. Inheritance: Autosomal dominant inheritance. Observed: 1 variant allele, 1 heterozygote.
Comment: This missense variant replaces threonine with serine at codon 660 of the MYH7 protein. This variant is found within a highly conserved region of the myosin head domain. Missense variants in this region have been shown to be significantly overrepresented in individuals with hypertrophic cardiomyopathy (PMID: 27532257). Computational prediction is inconclusive regarding the impact of this variant on protein structure and function (internally defined REVEL score threshold 0.5 < inconclusive < 0.7, PMID: 27666373). To our knowledge, functional studies have not been reported for this variant. This variant has not been reported in individuals affected with cardiovascular disorders in the literature. This variant has not been identified in the general population by the Genome Aggregation Database (gnomAD). The available evidence is insufficient to determine the role of this variant in disease conclusively. Therefore, this variant is classified as a Variant of Uncertain Significance.

This study involves interpretation of variants in research participants for the purpose of population health screening. Participant phenotype was not available at the time of variant classification. Additional details can be found in publication PMID: 35346344, PMCID: PMC8962531

Literature cited by the submitters: PubMed 27532257 (cited by Labcorp Genetics (formerly Invitae), Labcorp and All of Us Research Program, National Institutes of Health).